The following is an entry in ClinVar:

ClinVar aggregate classification (germline): Uncertain significance (1 of 4 stars; one submission).

Submission:

Labcorp Genetics (formerly Invitae), Labcorp
Classification: Uncertain significance. Last evaluated: 2025-12-20. Review status: criteria provided, single submitter. Criteria: Invitae Variant Classification Sherloc (09022015). Collection method: clinical testing. Allele origin: germline.
Comment: This sequence change replaces leucine, which is neutral and non-polar, with valine, which is neutral and non-polar, at codon 255 of the MAP3K7 protein (p.Leu255Val). This variant is not present in population databases (gnomAD no frequency). This variant has not been reported in the literature in individuals affected with MAP3K7-related conditions. An algorithm developed to predict the effect of missense changes on protein structure and function (PolyPhen-2) suggests that this variant is likely to be tolerated. In summary, the available evidence is currently insufficient to determine the role of this variant in disease. Therefore, it has been classified as a Variant of Uncertain Significance.

NM_145331.3(MAP3K7):c.763T>G (p.Leu255Val)

Gene: MAP3K7 (mitogen-activated protein kinase kinase kinase 7; minus strand). Cytogenetic location: 6q15.
Variant type: single nucleotide variant.
Coding change: c.763T>G on transcript NM_145331.3 (MANE Select); coding-DNA position 763, T replaced by G.
Protein change: p.Leu255Val; replaces leucine 255 with valine.
Molecular consequence: missense variant.
Genome position (GRCh38, 1-based): chr6:90,552,153, A>C on the plus strand (T>G on the coding strand, the complement: MAP3K7 is on the minus strand). VCF-style: chr6-90552153-A-C. GRCh37 (hg19) VCF-style: chr6-91261872-A-C.
Other names: c.763T>G, p.Leu255Val (NM_003188.4, NM_145332.3, NM_145333.3); short protein forms L255V.
Identifiers: ClinVar variation 4782045 (VCV004782045.1).